The following is an entry in ClinVar:

NM_001197104.2(KMT2A):c.6018A>T (p.Gly2006=)

Gene: KMT2A (lysine methyltransferase 2A; plus strand). Cytogenetic location: 11q23.3.
Variant type: single nucleotide variant.
Coding change: c.6018A>T on transcript NM_001197104.2 (MANE Select); coding-DNA position 6018, A replaced by T.
Protein change: p.Gly2006=; no amino-acid change (glycine 2006 retained).
Molecular consequence: synonymous variant.
Genome position (GRCh38, 1-based): chr11:118,499,359, A>T. VCF-style: chr11-118499359-A-T. GRCh37 (hg19) VCF-style: chr11-118370074-A-T.
Other names: c.6108A>T, p.Gly2036= (NM_001412597.1); c.6009A>T, p.Gly2003= (NM_005933.4).
Identifiers: ClinVar variation 2982108 (VCV002982108.5), dbSNP rs202002114, ClinGen allele CA6304155.

ClinVar aggregate classification (germline): Likely benign. Review status: criteria provided, single submitter (1 of 4 stars). 2 submissions from 2 submitters: Likely benign (1). 1 of the submissions does not count toward it. Last evaluated 2025-01-23.

Conditions:
KMT2A-related disorder. Also called: KMT2A-related condition.

Allele frequency attached by ClinVar (database versions not stated): ExAC 0.00001; TOPMed 0.00001; gnomAD 0.00003; gnomAD exomes 0.00003; 1000 Genomes Project 30x 0.00016; 1000 Genomes Project 0.00020.
gnomAD v4.1: 46 of 1,611,992 alleles (0.0029%); highest among the groups gnomAD compares: Non-Finnish European, 0.0037%; no homozygotes.

Submissions (2):

Labcorp Genetics (formerly Invitae), Labcorp
Classification: Likely benign. Last evaluated: 2025-01-23. Review status: criteria provided, single submitter. Criteria: Invitae Variant Classification Sherloc (09022015). Collection method: clinical testing. Allele origin: germline.

PreventionGenetics, part of Exact Sciences
Classification: Likely benign for KMT2A-related condition. Last evaluated: 2023-11-29. Review status: no assertion criteria provided. Collection method: clinical testing. Allele origin: germline. Not counted in ClinVar's aggregate classification.
Comment: This variant is classified as likely benign based on ACMG/AMP sequence variant interpretation guidelines (Richards et al. 2015 PMID: 25741868, with internal and published modifications).